The following is an entry in ClinVar:

ClinVar aggregate classification (germline): Uncertain significance. Review status: criteria provided, multiple submitters, no conflicts (2 of 4 stars). 3 submissions from 3 submitters: Uncertain significance (3). Last evaluated 2025-06-12.

Conditions:
Inborn genetic diseases. Identifiers: MedGen C0950123, MeSH D030342.
Developmental delay, hypotonia, musculoskeletal defects, and behavioral abnormalities. Identifiers: MedGen C5562012, MONDO:0859202, OMIM 619595.
Floating-Harbor syndrome (FLHS). Also called: SRCAP-Related Floating-Harbor Syndrome; Short stature with delayed bone age, expressive language delay, a triangular face with a prominent nose and deep-set eyes; Pelletier-Leisti syndrome. Identifiers: Orphanet 2044, MedGen C0729582, MONDO:0007621, OMIM 136140.

Allele frequency attached by ClinVar (database versions not stated): gnomAD exomes 0.00001; ExAC 0.00002; TOPMed 0.00005; gnomAD 0.00007; ESP Exome Variant Server 0.00008.
gnomAD v4.1: 13 of 1,613,348 alleles (0.00081%); highest among the groups gnomAD compares: African/African-American, 0.017%; no homozygotes.

Submissions (3):

Labcorp Genetics (formerly Invitae), Labcorp
Classification: Uncertain significance. Last evaluated: 2025-06-12. Review status: criteria provided, single submitter. Criteria: Invitae Variant Classification Sherloc (09022015). Collection method: clinical testing. Allele origin: germline.
Comment: This sequence change replaces alanine, which is neutral and non-polar, with threonine, which is neutral and polar, at codon 1161 of the SRCAP protein (p.Ala1161Thr). This variant is present in population databases (rs374725943, gnomAD 0.02%). This variant has not been reported in the literature in individuals affected with SRCAP-related conditions. ClinVar contains an entry for this variant (Variation ID: 1419664). Invitae Evidence Modeling of protein sequence and biophysical properties (such as structural, functional, and spatial information, amino acid conservation, physicochemical variation, residue mobility, and thermodynamic stability) indicates that this missense variant is not expected to disrupt SRCAP protein function with a negative predictive value of 80%. In summary, the available evidence is currently insufficient to determine the role of this variant in disease. Therefore, it has been classified as a Variant of Uncertain Significance.

Fulgent Genetics
Classification: Uncertain significance for Floating-Harbor syndrome; Developmental delay, hypotonia, musculoskeletal defects, and behavioral abnormalities. Last evaluated: 2024-04-01. Review status: criteria provided, single submitter. Criteria: ACMG Guidelines, 2015. Collection method: clinical testing. Allele origin: germline.

Ambry Genetics
Classification: Uncertain significance for Inborn genetic diseases. Last evaluated: 2023-03-01. Review status: criteria provided, single submitter. Criteria: Ambry Variant Classification Scheme 2023. Collection method: clinical testing. Allele origin: germline.

NM_006662.3(SRCAP):c.3481G>A (p.Ala1161Thr)

Gene: SRCAP (Snf2 related CREBBP activator protein; plus strand). Cytogenetic location: 16p11.2.
Variant type: single nucleotide variant.
Coding change: c.3481G>A on transcript NM_006662.3 (MANE Select); coding-DNA position 3481, G replaced by A.
Protein change: p.Ala1161Thr; replaces alanine 1161 with threonine.
Molecular consequence: missense variant.
Genome position (GRCh38, 1-based): chr16:30,721,416, G>A. VCF-style: chr16-30721416-G-A. GRCh37 (hg19) VCF-style: chr16-30732737-G-A.
Other names: c.3481G>A (NM_006662.2); short protein forms A1161T.
Identifiers: ClinVar variation 1419664 (VCV001419664.11), dbSNP rs374725943, ClinGen allele CA8011492.
Genomic context (GRCh38, chr16:30,721,416, plus strand): 5'-CCTGCTGCTGCCACCACCACTTCTACCACCACGGCAACTGCTACCACCACAGCAGTGCCA[G>A]CTCCGACTCCTGCACCACAGCGCCTCATTCTATCTCCCGATATGCAGGCTCGCCTGCCCT-3'
Protein context (NP_006653.2, residues 1151-1171): TATATTTAVP[Ala1161Thr]PTPAPQRLIL